The following is an entry in ClinVar:

NM_000051.4(ATM):c.4921G>A (p.Asp1641Asn)

Gene: ATM (ATM serine/threonine kinase; plus strand). Cytogenetic location: 11q22.3.
Variant type: single nucleotide variant.
Coding change: c.4921G>A on transcript NM_000051.4 (MANE Select); coding-DNA position 4921, G replaced by A.
Protein change: p.Asp1641Asn; replaces aspartic acid 1641 with asparagine.
Molecular consequence: missense variant.
Genome position (GRCh38, 1-based): chr11:108,297,298, G>A. VCF-style: chr11-108297298-G-A. GRCh37 (hg19) VCF-style: chr11-108168025-G-A.
Other names: c.4921G>A, p.Asp1641Asn (NM_001351834.2); short protein forms D1641N.
Identifiers: ClinVar variation 1744134 (VCV001744134.2), dbSNP rs587782896, ClinGen allele CA382538046.

ClinVar aggregate classification (germline): Uncertain significance (1 of 4 stars; one submission).

Conditions:
Hereditary cancer-predisposing syndrome. Also called: Hereditary Cancer Syndrome; Neoplastic Syndromes, Hereditary; Tumor predisposition; Hereditary neoplastic syndrome. Identifiers: Orphanet 140162, MedGen C0027672, MeSH D009386, MONDO:0015356.

Submission:

Ambry Genetics
Classification: Uncertain significance for Hereditary cancer-predisposing syndrome. Last evaluated: 2020-11-04. Review status: criteria provided, single submitter. Criteria: Ambry Variant Classification Scheme 2023. Collection method: clinical testing. Allele origin: germline.
Comment: The p.D1641N variant (also known as c.4921G>A), located in coding exon 32 of the ATM gene, results from a G to A substitution at nucleotide position 4921. The aspartic acid at codon 1641 is replaced by asparagine, an amino acid with highly similar properties. This amino acid position is well conserved in available vertebrate species. In addition, this alteration is predicted to be tolerated by in silico analysis. Since supporting evidence is limited at this time, the clinical significance of this alteration remains unclear.